The following is an entry in ClinVar:

ClinVar aggregate classification (germline): Likely benign. Review status: criteria provided, single submitter (1 of 4 stars). 2 submissions from 2 submitters: Likely benign (1). 1 of the submissions does not count toward it. Last evaluated 2022-03-01.

Conditions:
SETD1B-related disorder. Also called: SETD1B-related condition.

Allele frequency attached by ClinVar (database versions not stated): gnomAD exomes 0.00001; gnomAD 0.00009; TOPMed 0.00009.

Submissions (2):

CeGaT Center for Human Genetics Tuebingen
Classification: Likely benign. Last evaluated: 2022-03-01. Review status: criteria provided, single submitter. Criteria: CeGaT Center For Human Genetics Tuebingen Variant Classification Criteria Version 2. Collection method: clinical testing. Allele origin: germline. Affected: yes. Observed: 1 variant allele.
Comment: SETD1B: BP4, BP7

PreventionGenetics, part of Exact Sciences
Classification: Likely benign for SETD1B-related condition. Last evaluated: 2019-03-25. Review status: no assertion criteria provided. Collection method: clinical testing. Allele origin: germline. Not counted in ClinVar's aggregate classification.
Comment: This variant is classified as likely benign based on ACMG/AMP sequence variant interpretation guidelines (Richards et al. 2015 PMID: 25741868, with internal and published modifications).

NM_001353345.2(SETD1B):c.2511G>A (p.Leu837=)

Gene: SETD1B (SET domain containing 1B, histone lysine methyltransferase; plus strand). Cytogenetic location: 12q24.31.
Variant type: single nucleotide variant.
Coding change: c.2511G>A on transcript NM_001353345.2 (MANE Select); coding-DNA position 2511, G replaced by A.
Protein change: p.Leu837=; no amino-acid change (leucine 837 retained).
Molecular consequence: synonymous variant.
Genome position (GRCh38, 1-based): chr12:121,814,726, G>A. VCF-style: chr12-121814726-G-A. GRCh37 (hg19) VCF-style: chr12-122252632-G-A.
Other names: NM_015048.1:c.2511G>A.
Identifiers: ClinVar variation 2643451 (VCV002643451.25), dbSNP rs968822791, ClinGen allele CA244641630.